The following is an entry in ClinVar:

NM_001372.4(DNAH9):c.1000C>T (p.Gln334Ter)

Gene: DNAH9 (dynein axonemal heavy chain 9; plus strand). Cytogenetic location: 17p12.
Variant type: single nucleotide variant.
Coding change: c.1000C>T on transcript NM_001372.4 (MANE Select); coding-DNA position 1000, C replaced by T.
Protein change: p.Gln334Ter; replaces glutamine 334 with a stop codon.
Molecular consequence: nonsense.
Genome position (GRCh38, 1-based): chr17:11,617,506, C>T. VCF-style: chr17-11617506-C-T. GRCh37 (hg19) VCF-style: chr17-11520823-C-T.
Other names: short protein forms Q334*.
Identifiers: ClinVar variation 2877765 (VCV002877765.3), dbSNP rs1220569070, ClinGen allele CA398167791.
Genomic context (GRCh38, chr17:11,617,506, plus strand): 5'-ATACCGCTCCAGCGCCACCTGGAAGCTCTGGAGAATGCAGAATTTCCGGAGGTGAAGCCC[C>T]AGCTGCGGCCCCTGCTCCACGTGGTCTGTCTGATTTGGGCCACATGCAAGTCCTACCGCT-3'

ClinVar aggregate classification (germline): Pathogenic (1 of 4 stars; one submission).

Allele frequency attached by ClinVar (database versions not stated): gnomAD exomes below 0.00001; gnomAD 0.00001; TOPMed 0.00001.

Submission:

Labcorp Genetics (formerly Invitae), Labcorp
Classification: Pathogenic. Last evaluated: 2022-11-01. Review status: criteria provided, single submitter. Criteria: Invitae Variant Classification Sherloc (09022015). Collection method: clinical testing. Allele origin: germline.
Comment: For these reasons, this variant has been classified as Pathogenic. This sequence change creates a premature translational stop signal (p.Gln334*) in the DNAH9 gene. It is expected to result in an absent or disrupted protein product. Loss-of-function variants in DNAH9 are known to be pathogenic (PMID: 30471718). This variant is not present in population databases (gnomAD no frequency). This variant has not been reported in the literature in individuals affected with DNAH9-related conditions.

Literature cited by the submitters: PubMed 30471718.